The following is an entry in ClinVar:

ClinVar aggregate classification (germline): Pathogenic. Review status: criteria provided, multiple submitters, no conflicts (2 of 4 stars). 3 submissions from 3 submitters: Pathogenic (2). 1 of the submissions does not count toward it. Last evaluated 2023-02-23.

Conditions:
Hereditary factor VIII deficiency disease (HEMA). Also called: HEMOPHILIA, CLASSIC; Hemophilia A; Hemophilia A, congenital; HEM A; Factor 8 deficiency, congenital; AUTOSOMAL HEMOPHILIA A. Identifiers: Orphanet 98878, MedGen C0019069, MONDO:0010602, OMIM 306700.

Submissions (3):

3billion
Classification: Pathogenic for Hereditary factor VIII deficiency disease. Last evaluated: 2023-02-23. Review status: criteria provided, single submitter. Criteria: ACMG Guidelines, 2015. Collection method: clinical testing. Allele origin: unknown. Affected: yes.
Comment: The variant is not observed in the gnomAD v2.1.1 dataset. This variant was predicted to result in a loss or disruption of normal protein function through nonsense-mediated decay (NMD) or protein truncation. Multiple pathogenic variants are reported downstream of the variant. The variant has been reported at least twice as pathogenic without evidence for the classification (ClinVar ID: VCV000010249 / PMID: 12204009 / 3billion dataset). Therefore, this variant is classified as Pathogenic according to the recommendation of ACMG/AMP guideline.

ARUP Laboratories, Molecular Genetics and Genomics, ARUP Laboratories
Classification: Pathogenic for Hereditary factor VIII deficiency disease. Last evaluated: 2020-12-10. Review status: criteria provided, single submitter. Criteria: ARUP Molecular Germline Variant Investigation Process 2021. Collection method: clinical testing. Allele origin: germline.
Comment: The F8 c.2945dupA; p.Asn982LysfsTer9 variant (rs387906447), also known as c.2940insA and Asn961fs, has been published in the literature in many individuals and families with hemophilia A (see link to F8 database and references therein). This variant is also reported in ClinVar (Variation ID: 10249) and is absent from general population databases (Exome Variant Server, Genome Aggregation Database), indicating it is not a common polymorphism. This variant causes a frameshift by duplicating a single nucleotide, so it is predicted to result in a truncated protein or mRNA subject to nonsense-mediated decay. Based on available information, this variant is considered to be pathogenic. References: Link to F8 database

OMIM
Classification: Pathogenic for HEMOPHILIA A. Last evaluated: 1993-11-01. Review status: no assertion criteria provided. Collection method: literature only. Allele origin: germline. Not counted in ClinVar's aggregate classification.

Literature cited by the submitters: PubMed 12204009 (cited by 3billion); PubMed 8281136 (cited by OMIM).

NM_000132.4(F8):c.2945dup (p.Asn982fs)

Gene: F8 (coagulation factor VIII; minus strand). Cytogenetic location: Xq28.
Variant type: Duplication.
Coding change: c.2945dup on transcript NM_000132.4 (MANE Select); coding-DNA position 2945, one base duplicated (A; older notation c.2945dupA).
Protein change: p.Asn982fs; shifts the reading frame from asparagine 982.
Molecular consequence: frameshift variant.
Genome position (GRCh38, 1-based): chrX:154,930,845, T duplicated on the plus strand (A on the coding strand, the reverse complement: F8 is on the minus strand); the first of 6 consecutive T bases (chrX:154,930,845-154,930,850); duplicating any one gives the same sequence. VCF-style (leftmost placement, unchanged base first): chrX-154930844-A-AT. GRCh37 (hg19) VCF-style: chrX-154159119-A-AT.
Other names: F8, 1-BP INS, FS; short protein forms N982fs.
Identifiers: ClinVar variation 10249 (VCV000010249.10), dbSNP rs387906447, ClinGen allele CA255142.